The following is an entry in ClinVar:

ClinVar aggregate classification (germline): Uncertain significance (1 of 4 stars; one submission).

gnomAD v4.1: 1 of 1,613,978 alleles (0.000062%); highest among the groups gnomAD compares: Non-Finnish European, 0.000085%; no homozygotes.

Submission:

GeneDx
Classification: Uncertain significance. Last evaluated: 2023-10-26. Review status: criteria provided, single submitter. Criteria: GeneDx Variant Classification Process June 2021. Collection method: clinical testing. Allele origin: germline. Affected: yes.
Comment: Not observed at significant frequency in large population cohorts (gnomAD); In silico analysis supports that this missense variant has a deleterious effect on protein structure/function; Has not been previously published as pathogenic or benign to our knowledge

NM_006267.5(RANBP2):c.2831T>C (p.Leu944Ser)

Gene: RANBP2 (RAN binding protein 2; plus strand). Cytogenetic location: 2q13.
Variant type: single nucleotide variant.
Coding change: c.2831T>C on transcript NM_006267.5 (MANE Select); coding-DNA position 2831, T replaced by C.
Protein change: p.Leu944Ser; replaces leucine 944 with serine.
Molecular consequence: missense variant.
Genome position (GRCh38, 1-based): chr2:108,763,370, T>C. VCF-style: chr2-108763370-T-C. GRCh37 (hg19) VCF-style: chr2-109379826-T-C.
Other names: c.2831T>C, p.Leu944Ser (NM_001415871.1, NM_001415873.1); c.2828T>C, p.Leu943Ser (NM_001415872.1); short protein forms L943S, L944S.
Identifiers: ClinVar variation 3363248 (VCV003363248.1).
Genomic context (GRCh38, chr2:108,763,370, plus strand): 5'-CGCCAGTGCAAAGCTCATCTGCTTGTATGTTCTCTCAGGAGATGTATGGTCCTCCTGCAT[T>C]GCGTTTTGAGTCTCCTGCAACGGGAATTCTATCGCCCAGGGGTGATGATTACTTTAATTA-3'
Protein context (NP_006258.3, residues 934-954): FSQEMYGPPA[Leu944Ser]RFESPATGIL